The following is an entry in ClinVar:

ClinVar aggregate classification (germline): Uncertain significance (1 of 4 stars; one submission).

Submission:

Labcorp Genetics (formerly Invitae), Labcorp
Classification: Uncertain significance. Last evaluated: 2022-07-06. Review status: criteria provided, single submitter. Criteria: Invitae Variant Classification Sherloc (09022015). Collection method: clinical testing. Allele origin: germline.
Comment: In summary, the available evidence is currently insufficient to determine the role of this variant in disease. Therefore, it has been classified as a Variant of Uncertain Significance. Experimental studies and prediction algorithms are not available or were not evaluated, and the functional significance of this variant is currently unknown. ClinVar contains an entry for this variant (Variation ID: 1416157). This variant has not been reported in the literature in individuals affected with COL4A5-related conditions. This variant is not present in population databases (gnomAD no frequency). This variant, c.1022_1030del, results in the deletion of 3 amino acid(s) of the COL4A5 protein (p.Pro341_Gly343del), but otherwise preserves the integrity of the reading frame.

NM_033380.3(COL4A5):c.1022_1030del (p.338PPG[1])

Gene: COL4A5 (collagen type IV alpha 5 chain; plus strand). Cytogenetic location: Xq22.3.
Variant type: Deletion.
Coding change: c.1022_1030del on transcript NM_033380.3 (MANE Select); coding-DNA positions 1022 to 1030, 9 bases deleted (CTCCTGGAC; older notation c.1022_1030delCTCCTGGAC).
Protein change: p.338PPG[1].
Molecular consequence: inframe deletion.
Genome position (GRCh38, 1-based): chrX:108,584,515-108,584,523, CTCCTGGAC deleted; deleting any 9 consecutive bases within chrX:108,584,508-108,584,523 gives the same sequence; the c. name uses the placement nearest the transcript's 3' end. VCF-style (leftmost placement, unchanged base first): chrX-108584507-ACCTGGACCT-A. GRCh37 (hg19) VCF-style: chrX-107827737-ACCTGGACCT-A.
Other names: c.1022_1030del, p.338PPG[1] (NM_000495.5).
Identifiers: ClinVar variation 1416157 (VCV001416157.6), dbSNP rs2147784405, ClinGen allele CA2573159086.